The following is an entry in ClinVar:

ClinVar aggregate classification (germline): Benign. Review status: reviewed by expert panel (3 of 4 stars). 4 submissions from 4 submitters: Benign (1). 3 of the submissions do not count toward it. Last evaluated 2024-05-03.

Conditions:
Pulmonary arterial hypertension associated with congenital heart disease. Identifiers: Orphanet 275803, MedGen C3697119, MONDO:0017152.
Primary pulmonary hypertension. Also called: Idiopathic pulmonary hypertension. Identifiers: MedGen C0152171.
Pulmonary arterial hypertension. Identifiers: Orphanet 182090, MedGen C2973725, MeSH D000081029, MONDO:0015924, HP:0002092.

Submissions (4):

Clingen Pulmonary Hypertension Variant Curation Expert Panel, ClinGen
Classification: Benign for Pulmonary arterial hypertension. Last evaluated: 2024-05-03. Review status: reviewed by expert panel. Criteria: ClinGen PH ACMG Specifications BMPR2 V1.1.0. Collection method: curation. Allele origin: germline. Inheritance: Autosomal dominant inheritance.
Comment: The BMPR2 c.419-38del is an intronic variant at Intron 3. The highest population minor allele frequency in gnomAD v2.1.1 (controls) is 0.1814 (2514/13856 alleles) in European (Finnish) population, which is higher than the ClinGen Pulmonary Hypertension Expert Panel threshold (>0.01) for BA1, and therefore meets this stand-alone criterion (BA1). This variant has been observed in 1160 times in homozygous state in healthy individuals (BS2). The computational splicing predictor SpliceAI gives a score of (0.00) for acceptor splice site loss suggesting that the variant has no impact on splicing (BP4). In summary, the variant is classified as benign for pulmonary arterial hypertension based on the ACMG/AMP criteria applied, as specified by the ClinGen Pulmonary Hypertension VCEP: BA1, BS2, BP4 (VCEP specification version v 1.1, 1/18/2024).

Labcorp Genetics (formerly Invitae), Labcorp
Classification: Benign for Primary pulmonary hypertension. Last evaluated: 2025-12-08. Review status: criteria provided, single submitter. Criteria: Invitae Variant Classification Sherloc (09022015). Collection method: clinical testing. Allele origin: germline. Not counted in ClinVar's aggregate classification.

GeneDx
Classification: Likely benign. Last evaluated: 2019-09-20. Review status: criteria provided, single submitter. Criteria: GeneDx Variant Classification Process June 2021. Collection method: clinical testing. Allele origin: germline. Affected: yes. Not counted in ClinVar's aggregate classification.
Comment: This variant is associated with the following publications: (PMID: 30029678)

Wendy Chung Laboratory, Boston Children's Hospital
Classification: Uncertain significance for Pulmonary arterial hypertension associated with congenital heart disease. Last evaluated: 2018-06-27. Review status: criteria provided, single submitter. Criteria: ACMG Guidelines, 2015. Collection method: case-control. Allele origin: maternal. Affected: yes. Observed: 1 variant allele. Not counted in ClinVar's aggregate classification.

Literature cited by the submitters: PubMed 30029678 (cited by Wendy Chung Laboratory, Boston Children's Hospital).

NM_001204.7(BMPR2):c.419-38del

Gene: BMPR2 (bone morphogenetic protein receptor type 2; plus strand). Cytogenetic location: 2q33.2.
Variant type: Deletion.
Coding change: c.419-38del on transcript NM_001204.7 (MANE Select); 38 bases into the intron before coding-DNA position 419, one base deleted (T; older notation c.419-38delT).
Molecular consequence: intron variant.
Genome position (GRCh38, 1-based): chr2:202,513,681, T deleted; the last of 6 consecutive T bases (chr2:202,513,676-202,513,681); deleting any one gives the same sequence. VCF-style (leftmost placement, unchanged base first): chr2-202513675-CT-C. GRCh37 (hg19) VCF-style: chr2-203378398-CT-C.
Other names: c.419-43del (LRG_712t1); c.419-43delT (NM_001204.6).
Identifiers: ClinVar variation 548685 (VCV000548685.11), dbSNP rs10714063, ClinGen allele CA2061113.
Genomic context (GRCh38, chr2:202,513,675, plus strand): 5'-ATTTGATTATACATGGGTACAGCCTTTCTAAAGGGCAGTCTGTCAGTATTTAACAAAATA[CT>C]TTTTTAAAAAAAAATGACATTTCAAAATTTGTTTTCTTTTAGGTCCACCTCATTCATTTA-3'